The following is an entry in ClinVar:

ClinVar aggregate classification (germline): Conflicting classifications of pathogenicity. Review status: criteria provided, conflicting classifications (1 of 4 stars). 3 submissions from 3 submitters: Likely pathogenic (2); Uncertain significance (1). Last evaluated 2025-11-24.

Conditions:
Deficiency of acetyl-CoA acetyltransferase. Also called: 3-KETOTHIOLASE DEFICIENCY; 3-OXOTHIOLASE DEFICIENCY; Beta-ketothiolase deficiency; MITOCHONDRIAL ACETOACETYL-CoA THIOLASE DEFICIENCY. Identifiers: Orphanet 134, MedGen C1536500, MONDO:0008760, OMIM 203750. Disease mechanism: loss of function.

Allele frequency attached by ClinVar (database versions not stated): TOPMed below 0.00001; ExAC 0.00001; gnomAD 0.00001; gnomAD exomes 0.00001; ESP Exome Variant Server 0.00008.
gnomAD v4.1: 9 of 1,613,720 alleles (0.00056%); highest among the groups gnomAD compares: African/African-American, 0.0013%; no homozygotes.

Submissions (3):

Labcorp Genetics (formerly Invitae), Labcorp
Classification: Likely pathogenic for Deficiency of acetyl-CoA acetyltransferase. Last evaluated: 2025-11-24. Review status: criteria provided, single submitter. Criteria: Invitae Variant Classification Sherloc (09022015). Collection method: clinical testing. Allele origin: germline.
Comment: This sequence change replaces methionine, which is neutral and non-polar, with isoleucine, which is neutral and non-polar, at codon 389 of the ACAT1 protein (p.Met389Ile). This variant is present in population databases (rs377295639, gnomAD 0.0009%). This missense change has been observed in individual(s) with beta-ketothiolase deficiency (PMID: 28255778). ClinVar contains an entry for this variant (Variation ID: 666531). Invitae Evidence Modeling of protein sequence and biophysical properties (such as structural, functional, and spatial information, amino acid conservation, physicochemical variation, residue mobility, and thermodynamic stability) indicates that this missense variant is expected to disrupt ACAT1 protein function with a positive predictive value of 95%. In summary, the currently available evidence indicates that the variant is pathogenic, but additional data are needed to prove that conclusively. Therefore, this variant has been classified as Likely Pathogenic.

Baylor Genetics
Classification: Likely pathogenic for Deficiency of acetyl-CoA acetyltransferase. Last evaluated: 2022-11-03. Review status: criteria provided, single submitter. Criteria: ACMG Guidelines, 2015. Collection method: clinical testing. Allele origin: unknown.

Department of Pediatrics, Gifu University
Classification: Uncertain significance for Deficiency of acetyl-CoA acetyltransferase. Last evaluated: 2019-05-05. Review status: criteria provided, single submitter. Criteria: ACMG Guidelines, 2015. Collection method: literature only. Allele origin: germline. Affected: yes. Observed: 2 variant alleles.

Literature cited by the submitters: PubMed 28255778 (cited by Labcorp Genetics (formerly Invitae), Labcorp); PubMed 31268215 (cited by Department of Pediatrics, Gifu University).

NM_000019.4(ACAT1):c.1167G>A (p.Met389Ile)

Gene: ACAT1 (acetyl-CoA acetyltransferase 1; plus strand). Cytogenetic location: 11q22.3.
Variant type: single nucleotide variant.
Coding change: c.1167G>A on transcript NM_000019.4 (MANE Select); coding-DNA position 1167, G replaced by A.
Protein change: p.Met389Ile; replaces methionine 389 with isoleucine.
Molecular consequence: missense variant.
Genome position (GRCh38, 1-based): chr11:108,147,273, G>A. VCF-style: chr11-108147273-G-A. GRCh37 (hg19) VCF-style: chr11-108018000-G-A.
Other names: short protein forms M389I.
Identifiers: ClinVar variation 666531 (VCV000666531.7), dbSNP rs377295639, ClinGen allele CA6263397.